The following is an entry in ClinVar:

NM_004341.5(CAD):c.4365_4368del (p.Asp1454_Cys1455insTer)

Gene: CAD (carbamoyl-phosphate synthetase 2, aspartate transcarbamylase, and dihydroorotase; plus strand). Cytogenetic location: 2p23.3.
Variant type: Deletion.
Coding change: c.4365_4368del on transcript NM_004341.5 (MANE Select); coding-DNA positions 4365 to 4368, 4 bases deleted (TATG; older notation c.4365_4368delTATG).
Protein change: p.Asp1454_Cys1455insTer.
Molecular consequence: nonsense.
Genome position (GRCh38, 1-based): chr2:27,236,799-27,236,802, TATG deleted; deleting any 4 consecutive bases within chr2:27,236,797-27,236,802 gives the same sequence; the c. name uses the placement nearest the transcript's 3' end. VCF-style (leftmost placement, unchanged base first): chr2-27236796-CTGTA-C. GRCh37 (hg19) VCF-style: chr2-27459664-CTGTA-C.
Other names: c.4176_4179del, p.Asp1391_Cys1392insTer (NM_001306079.2).
Identifiers: ClinVar variation 1968982 (VCV001968982.5), dbSNP rs1284790187, ClinGen allele CA531425825.

ClinVar aggregate classification (germline): Pathogenic (1 of 4 stars; one submission).

Submission:

Labcorp Genetics (formerly Invitae), Labcorp
Classification: Pathogenic. Last evaluated: 2023-12-02. Review status: criteria provided, single submitter. Criteria: Invitae Variant Classification Sherloc (09022015). Collection method: clinical testing. Allele origin: germline.
Comment: This sequence change creates a premature translational stop signal (p.Cys1455*) in the CAD gene. It is expected to result in an absent or disrupted protein product. Loss-of-function variants in CAD are known to be pathogenic (PMID: 28007989, 32117025, 32820246, 33497533). This variant is present in population databases (no rsID available, gnomAD 0.007%). This variant has not been reported in the literature in individuals affected with CAD-related conditions. ClinVar contains an entry for this variant (Variation ID: 1968982). For these reasons, this variant has been classified as Pathogenic.

Literature cited by the submitters: PubMed 28007989; PubMed 32117025; PubMed 32820246; PubMed 33497533.